The following is an entry in ClinVar:

NM_015175.3(NBEAL2):c.1948G>A (p.Gly650Arg)

Gene: NBEAL2 (neurobeachin like 2; plus strand). Cytogenetic location: 3p21.31.
Variant type: single nucleotide variant.
Coding change: c.1948G>A on transcript NM_015175.3 (MANE Select); coding-DNA position 1948, G replaced by A.
Protein change: p.Gly650Arg; replaces glycine 650 with arginine.
Molecular consequence: missense variant.
Genome position (GRCh38, 1-based): chr3:46,995,763, G>A. VCF-style: chr3-46995763-G-A. GRCh37 (hg19) VCF-style: chr3-47037253-G-A.
Other names: p.Gly650Arg; c.1846G>A, p.Gly616Arg (NM_001365116.2); short protein forms G650R, G616R.
Identifiers: ClinVar variation 345632 (VCV000345632.45), dbSNP rs201373710, ClinGen allele CA2360502.

ClinVar aggregate classification (germline): Conflicting classifications of pathogenicity. Review status: criteria provided, conflicting classifications (1 of 4 stars). 8 submissions from 8 submitters: Uncertain significance (2); Benign (2); Likely benign (3). 1 of the submissions does not count toward it. Last evaluated 2026-02-02.

Conditions:
Gray platelet syndrome (GPS). Also called: BLEEDING DISORDER, PLATELET-TYPE, 4. Identifiers: Orphanet 721, MedGen C0272302, MONDO:0007686, OMIM 139090.

Allele frequency attached by ClinVar (database versions not stated): ESP Exome Variant Server 0.00089; gnomAD exomes 0.00124 and 0.00163; gnomAD 0.00130 and 0.00133; 1000 Genomes Project 30x 0.00141; ExAC 0.00153; 1000 Genomes Project 0.00160; TOPMed 0.00189.
gnomAD v4.1: 2,168 of 1,613,660 alleles (0.13%); highest among the groups gnomAD compares: Middle Eastern, 2.6%; 9 homozygotes.

Submissions (8):

Labcorp Genetics (formerly Invitae), Labcorp
Classification: Benign. Last evaluated: 2026-02-02. Review status: criteria provided, single submitter. Criteria: Invitae Variant Classification Sherloc (09022015). Collection method: clinical testing. Allele origin: germline.

Mayo Clinic Laboratories, Mayo Clinic
Classification: Benign. Last evaluated: 2025-08-06. Review status: criteria provided, single submitter. Criteria: ACMG Guidelines, 2015. Collection method: clinical testing. Allele origin: germline. Observed: 2 variant alleles.
Comment: BS1, BS2

Blueprint Genetics
Classification: Likely benign. Last evaluated: 2024-11-22. Review status: criteria provided, single submitter. Criteria: ACMG Guidelines, 2015. Collection method: clinical testing. Allele origin: germline.

CeGaT Center for Human Genetics Tuebingen
Classification: Likely benign. Last evaluated: 2023-09-01. Review status: criteria provided, single submitter. Criteria: CeGaT Center For Human Genetics Tuebingen Variant Classification Criteria Version 2. Collection method: clinical testing. Allele origin: germline. Affected: yes. Observed: 2 variant alleles.
Comment: NBEAL2: BP5, BS1

Genetic Services Laboratory, University of Chicago
Classification: Likely benign. Last evaluated: 2020-03-16. Review status: criteria provided, single submitter. Criteria: ACMG Guidelines, 2015. Collection method: clinical testing. Allele origin: germline. Affected: no.

Illumina Laboratory Services, Illumina
Classification: Uncertain significance for Gray platelet syndrome. Last evaluated: 2018-01-12. Review status: criteria provided, single submitter. Criteria: ICSL Variant Classification Criteria 13 December 2019. Collection method: clinical testing. Allele origin: germline.

Eurofins Ntd Llc (ga)
Classification: Uncertain significance. Last evaluated: 2017-02-16. Review status: criteria provided, single submitter. Criteria: EGL Classification Definitions 2015. Collection method: clinical testing. Allele origin: germline. Observed: 1 variant allele, 1 heterozygote.

Zotz-Klimas Genetics Lab, MVZ Zotz Klimas
Classification: Uncertain significance for Gray platelet syndrome. Last evaluated: 2023-11-02. Review status: no assertion criteria provided. Collection method: clinical testing. Allele origin: germline. Affected: yes. Not counted in ClinVar's aggregate classification.